The following is an entry in ClinVar:

NM_144643.4(SCLT1):c.1168T>C (p.Cys390Arg)

Gene: SCLT1 (sodium channel and clathrin linker 1; minus strand). Cytogenetic location: 4q28.2.
Variant type: single nucleotide variant.
Coding change: c.1168T>C on transcript NM_144643.4 (MANE Select); coding-DNA position 1168, T replaced by C.
Protein change: p.Cys390Arg; replaces cysteine 390 with arginine.
Molecular consequence: missense variant.
Genome position (GRCh38, 1-based): chr4:128,952,819, A>G on the plus strand (T>C on the coding strand, the complement: SCLT1 is on the minus strand). VCF-style: chr4-128952819-A-G. GRCh37 (hg19) VCF-style: chr4-129873974-A-G.
Other names: c.1168T>C, p.Cys390Arg (NM_001410807.1); short protein forms C390R.
Identifiers: ClinVar variation 3345861 (VCV003345861.2).

ClinVar aggregate classification (germline): Uncertain significance. Review status: criteria provided, single submitter (1 of 4 stars). 2 submissions from 2 submitters: Uncertain significance (1). 1 of the submissions does not count toward it. Last evaluated 2022-02-15.

Conditions:
SCLT1-related disorder. Also called: SCLT1-related condition.

gnomAD v4.1: 4 of 1,569,354 alleles (0.00025%); highest among the groups gnomAD compares: Admixed American, 0.0017%; no homozygotes.

Submissions (2):

Blueprint Genetics
Classification: Uncertain significance. Last evaluated: 2022-02-15. Review status: criteria provided, single submitter. Criteria: ACMG Guidelines, 2015. Collection method: clinical testing. Allele origin: germline.

PreventionGenetics, part of Exact Sciences
Classification: Uncertain significance for SCLT1-related condition. Last evaluated: 2024-08-06. Review status: no assertion criteria provided. Collection method: clinical testing. Allele origin: germline. Not counted in ClinVar's aggregate classification.
Comment: The SCLT1 c.1168T>C variant is predicted to result in the amino acid substitution p.Cys390Arg. To our knowledge, this variant has not been reported in the literature or in a large population database, indicating this variant is rare. At this time, the clinical significance of this variant is uncertain due to the absence of conclusive functional and genetic evidence.